The following is an entry in ClinVar:

ClinVar aggregate classification (germline): Uncertain significance (1 of 4 stars; one submission).

Conditions:
Dilated cardiomyopathy 1O (CMD1O). Also called: CARDIOMYOPATHY, DILATED, WITH VENTRICULAR TACHYCARDIA. Identifiers: Orphanet 154, MedGen C1837839, MONDO:0012062, OMIM 608569.

Submission:

Labcorp Genetics (formerly Invitae), Labcorp
Classification: Uncertain significance for Dilated cardiomyopathy 1O. Last evaluated: 2024-05-21. Review status: criteria provided, single submitter. Criteria: Invitae Variant Classification Sherloc (09022015). Collection method: clinical testing. Allele origin: germline.
Comment: This sequence change replaces glutamic acid, which is acidic and polar, with aspartic acid, which is acidic and polar, at codon 1294 of the ABCC9 protein (p.Glu1294Asp). This variant is not present in population databases (gnomAD no frequency). This variant has not been reported in the literature in individuals affected with ABCC9-related conditions. Advanced modeling of protein sequence and biophysical properties (such as structural, functional, and spatial information, amino acid conservation, physicochemical variation, residue mobility, and thermodynamic stability) performed at Invitae indicates that this missense variant is not expected to disrupt ABCC9 protein function with a negative predictive value of 95%. In summary, the available evidence is currently insufficient to determine the role of this variant in disease. Therefore, it has been classified as a Variant of Uncertain Significance.

NM_020297.4(ABCC9):c.3882A>C (p.Glu1294Asp)

Genes: ABCC9 (ATP binding cassette subfamily C member 9; minus strand), KCNJ8-AS1 (KCNJ8 antisense RNA 1; plus strand). Cytogenetic location: 12p12.1.
Variant type: single nucleotide variant.
Coding change: c.3882A>C on transcript NM_020297.4 (MANE Select); coding-DNA position 3882, A replaced by C.
Protein change: p.Glu1294Asp; replaces glutamic acid 1294 with aspartic acid.
Molecular consequence: missense variant.
Genome position (GRCh38, 1-based): chr12:21,817,197, T>G on the plus strand (A>C on the coding strand, the complement: ABCC9 is on the minus strand). VCF-style: chr12-21817197-T-G. GRCh37 (hg19) VCF-style: chr12-21970131-T-G.
Other names: c.3882A>C, p.Glu1294Asp (NM_001377273.1, NM_005691.4); c.3015A>C, p.Glu1005Asp (NM_001377274.1); short protein forms E1005D, E1294D.
Identifiers: ClinVar variation 3603478 (VCV003603478.2).